The following is an entry in ClinVar:

NM_022575.4(VPS16):c.1618G>A (p.Glu540Lys)

Genes: PTPRA (protein tyrosine phosphatase receptor type A; plus strand), VPS16 (VPS16 core subunit of CORVET and HOPS complexes; plus strand). Cytogenetic location: 20p13.
Variant type: single nucleotide variant.
Coding change: c.1618G>A on transcript NM_022575.4 (MANE Select); coding-DNA position 1618, G replaced by A.
Protein change: p.Glu540Lys; replaces glutamic acid 540 with lysine.
Molecular consequence: missense variant. On other transcripts: 5 prime UTR variant (1).
Genome position (GRCh38, 1-based): chr20:2,864,185, G>A. VCF-style: chr20-2864185-G-A. GRCh37 (hg19) VCF-style: chr20-2844831-G-A.
Other names: c.1186G>A, p.Glu396Lys (NM_080413.3); c.-685G>A (NM_002836.4); short protein forms E396K, E540K.
Identifiers: ClinVar variation 2636713 (VCV002636713.1), dbSNP rs762665854, ClinGen allele CA9737821.
Genomic context (GRCh38, chr20:2,864,185, plus strand): 5'-TTCAGGGCCCCCATGCCAGCTCCTTCTCTCTGTGCCTTCCTTCTCACCTCACAGCTGCTG[G>A]AGTATGAGCCACGCTCAGGGGAGCAGGTACCCCTTCTCCTAAAGATGAAGAGGAGCAAAC-3'
Protein context (NP_072097.2, residues 530-550): GRTELAIKLL[Glu540Lys]YEPRSGEQVP

ClinVar aggregate classification (germline): Uncertain significance (1 of 4 stars; one submission).

Conditions:
VPS16-related disorder. Also called: VPS16-related condition.

Allele frequency attached by ClinVar (database versions not stated): ExAC 0.00001; gnomAD exomes 0.00001; TOPMed 0.00001.
gnomAD v4.1: 12 of 1,614,198 alleles (0.00074%); highest among the groups gnomAD compares: Non-Finnish European, 0.001%; no homozygotes.

Submission:

PreventionGenetics, part of Exact Sciences
Classification: Uncertain significance for VPS16-related condition. Last evaluated: 2023-07-16. Review status: criteria provided, single submitter. Criteria: ACMG Guidelines, 2015. Collection method: clinical testing. Allele origin: germline.
Comment: The VPS16 c.1618G>A variant is predicted to result in the amino acid substitution p.Glu540Lys. To our knowledge, this variant has not been reported in the literature or in a large population database, indicating this variant is rare. At this time, the clinical significance of this variant is uncertain due to the absence of conclusive functional and genetic evidence.